The following is an entry in ClinVar:

NM_005861.4(STUB1):c.159+195G>C

Gene: STUB1 (STIP1 homology and U-box containing protein 1; plus strand). Cytogenetic location: 16p13.3.
Variant type: single nucleotide variant.
Coding change: c.159+195G>C on transcript NM_005861.4 (MANE Select); 195 bases into the intron after coding-DNA position 159, G replaced by C.
Molecular consequence: intron variant.
Genome position (GRCh38, 1-based): chr16:680,879, G>C. VCF-style: chr16-680879-G-C. GRCh37 (hg19) VCF-style: chr16-730879-G-C.
Other names: c.-146-184G>C (NM_001293197.2).
Identifiers: ClinVar variation 1705003 (VCV001705003.2), dbSNP rs569158766, ClinGen allele CA276564720.

ClinVar aggregate classification (germline): Likely benign (1 of 4 stars; one submission).

Allele frequency attached by ClinVar (database versions not stated): 1000 Genomes Project 30x 0.00047; 1000 Genomes Project 0.00060; gnomAD 0.00154.
gnomAD v4.1: 1,079 of 603,958 alleles (0.18%); highest among the groups gnomAD compares: Non-Finnish European, 0.16%; 6 homozygotes.

Submission:

GeneDx
Classification: Likely benign. Last evaluated: 2022-01-11. Review status: criteria provided, single submitter. Criteria: GeneDx Variant Classification Process June 2021. Collection method: clinical testing. Allele origin: germline. Affected: yes.
Comment: See Variant Classification Assertion Criteria.